The following is an entry in ClinVar:

NM_000843.4(GRM6):c.2242G>C (p.Asp748His)

Genes: GRM6 (glutamate metabotropic receptor 6; minus strand), ZNF454 (zinc finger protein 454; plus strand). Cytogenetic location: 5q35.3.
Variant type: single nucleotide variant.
Coding change: c.2242G>C on transcript NM_000843.4 (MANE Select); coding-DNA position 2242, G replaced by C.
Protein change: p.Asp748His; replaces aspartic acid 748 with histidine.
Molecular consequence: missense variant.
Genome position (GRCh38, 1-based): chr5:178,983,104, C>G on the plus strand (G>C on the coding strand, the complement: GRM6 is on the minus strand). VCF-style: chr5-178983104-C-G. GRCh37 (hg19) VCF-style: chr5-178410105-C-G.
Other names: short protein forms D748H.
Identifiers: ClinVar variation 1487476 (VCV001487476.8), dbSNP rs764934286, ClinGen allele CA3593587.
Genomic context (GRCh38, chr5:178,983,104, plus strand): 5'-ACACTGTGCACGTGACCATGAGCAGGAGGCTGTAGCCCAGGCAGCCGATGAGAGACAGAT[C>G]CGACATGTCGCACTTGAGCACCCCTCTGGCCTGCTCGGGGTCCACCGTCCGCTGTTCCTC-3'
Protein context (NP_000834.2, residues 738-758): ARGVLKCDMS[Asp748His]LSLIGCLGYS

ClinVar aggregate classification (germline): Uncertain significance (1 of 4 stars; one submission).

Allele frequency attached by ClinVar (database versions not stated): gnomAD exomes below 0.00001; ExAC 0.00001; gnomAD 0.00001.
gnomAD v4.1: 4 of 1,613,954 alleles (0.00025%); highest among the groups gnomAD compares: Non-Finnish European, 0.00034%; no homozygotes.

Submission:

Labcorp Genetics (formerly Invitae), Labcorp
Classification: Uncertain significance. Last evaluated: 2020-12-01. Review status: criteria provided, single submitter. Criteria: Invitae Variant Classification Sherloc (09022015). Collection method: clinical testing. Allele origin: germline.
Comment: This variant has not been reported in the literature in individuals with GRM6-related conditions. This variant is present in population databases (rs764934286, ExAC 0.002%). This sequence change replaces aspartic acid with histidine at codon 748 of the GRM6 protein (p.Asp748His). The aspartic acid residue is highly conserved and there is a moderate physicochemical difference between aspartic acid and histidine. In summary, the available evidence is currently insufficient to determine the role of this variant in disease. Therefore, it has been classified as a Variant of Uncertain Significance. Advanced modeling of protein sequence and biophysical properties (such as structural, functional, and spatial information, amino acid conservation, physicochemical variation, residue mobility, and thermodynamic stability) performed at Invitae indicates that this missense variant is expected to disrupt GRM6 protein function.